The following is an entry in ClinVar:

NM_152564.5(VPS13B):c.11077del (p.Ser3693fs)

Gene: VPS13B (vacuolar protein sorting 13 homolog B; plus strand). Cytogenetic location: 8q22.2.
Variant type: Deletion.
Coding change: c.11077del on transcript NM_152564.5 (MANE Select); coding-DNA position 11077, one base deleted (A; older notation c.11077delA).
Protein change: p.Ser3693fs; shifts the reading frame from serine 3693.
Molecular consequence: frameshift variant.
Genome position (GRCh38, 1-based): chr8:99,861,808, A deleted; the last of 2 consecutive A bases (chr8:99,861,807-99,861,808); deleting either gives the same sequence. VCF-style (leftmost placement, unchanged base first): chr8-99861806-CA-C. GRCh37 (hg19) VCF-style: chr8-100874034-CA-C.
Other names: c.11152del, p.Ser3718fs (NM_017890.5); short protein forms S3693fs, S3718fs.
Identifiers: ClinVar variation 4815925 (VCV004815925.2).

ClinVar aggregate classification (germline): Pathogenic/Likely pathogenic. Review status: criteria provided, multiple submitters, no conflicts (2 of 4 stars). 2 submissions from 2 submitters: Pathogenic (1); Likely pathogenic (1). Last evaluated 2025-11-13.

Conditions:
Cohen syndrome (COH1). Also called: PEPPER SYNDROME; Cutis verticis gyrata, retinitis pigmentosa, and sensorineural deafness. Identifiers: Orphanet 193, MedGen C0265223, MONDO:0008999, OMIM 216550.

Submissions (2):

Myriad Genetics, Inc.
Classification: Pathogenic for Cohen syndrome. Last evaluated: 2025-11-13. Review status: criteria provided, single submitter. Criteria: Myriad Autosomal Dominant, Autosomal Recessive and X-Linked Classification Criteria (2023). Collection method: clinical testing. Allele origin: unknown.
Comment: NM_017890.4(VPS13B):c.11152delA(S3718Afs*52) is a frameshift variant classified as pathogenic in the context of Cohen syndrome. S3718Afs*52 has not been observed in cases with relevant disease. Relevant functional assessments of this variant are not available in the literature. S3718Afs*52 has been observed in referenced population frequency databases. In summary, NM_017890.4(VPS13B):c.11152delA(S3718Afs*52) is a frameshift variant in a gene where loss of function is a known mechanism of disease and is predicted to disrupt protein function. Please note: this variant was assessed in the context of healthy population screening.

Natera, Inc.
Classification: Likely pathogenic for Cohen syndrome. Last evaluated: 2024-08-28. Review status: criteria provided, single submitter. Criteria: Natera Variant Classification Schema (03/2026). Collection method: clinical testing. Allele origin: germline.
Comment: The c.11152delA variant in VPS13B is a frameshift variant predicted to shift the reading frame beginning at codon 3718 and leads to a stop codon 52 codons downstream. This variant is expected to result in nonsense mediated decay, truncation, or a dysfunctional protein product. This variant is rare in the general population with a frequency below the threshold expected for the associated phenotype(s). Given the available evidence, this variant is classified as Likely Pathogenic.